The following is an entry in ClinVar:

NM_005591.4(MRE11):c.580G>A (p.Val194Ile)

Gene: MRE11 (MRE11 double strand break repair nuclease; minus strand). Cytogenetic location: 11q21.
Variant type: single nucleotide variant.
Coding change: c.580G>A on transcript NM_005591.4 (MANE Select); coding-DNA position 580, G replaced by A.
Protein change: p.Val194Ile; replaces valine 194 with isoleucine.
Molecular consequence: missense variant. On other transcripts: intron variant (3).
Genome position (GRCh38, 1-based): chr11:94,476,368, C>T on the plus strand (G>A on the coding strand, the complement: MRE11 is on the minus strand). VCF-style: chr11-94476368-C-T. GRCh37 (hg19) VCF-style: chr11-94209534-C-T.
Other names: c.580G>A, p.Val194Ile (NM_001330347.2, NM_001440460.1, NM_001440461.1 and 18 more transcripts); c.505G>A, p.Val169Ile (NM_001440479.1, NM_001440471.1, NM_001440472.1); c.112G>A, p.Val38Ile (NM_001440485.1, NM_001440486.1, NM_001440487.1); c.315-4609G>A (NM_001440483.1, NM_001440484.1, NM_001440482.1); short protein forms V38I, V169I, V194I.
Identifiers: ClinVar variation 5024686 (VCV005024686.1).

ClinVar aggregate classification (germline): Uncertain significance (1 of 4 stars; one submission).

Conditions:
Hereditary cancer-predisposing syndrome. Also called: Neoplastic Syndromes, Hereditary; Tumor predisposition; Hereditary neoplastic syndrome; Hereditary Cancer Syndrome. Identifiers: Orphanet 140162, MedGen C0027672, MeSH D009386, MONDO:0015356.

Submission:

Ambry Genetics
Classification: Uncertain significance for Hereditary cancer-predisposing syndrome. Last evaluated: 2026-08-04. Review status: criteria provided, single submitter. Criteria: Ambry Variant Classification Scheme 2023. Collection method: clinical testing. Allele origin: germline.
Comment: The p.V194I variant (also known as c.580G>A), located in coding exon 6 of the MRE11A gene, results from a G to A substitution at nucleotide position 580. The valine at codon 194 is replaced by isoleucine, an amino acid with highly similar properties. This amino acid position is conserved. In addition, this alteration is predicted to be tolerated by in silico analysis. Based on the available evidence, the clinical significance of this variant remains unclear.